The following is an entry in ClinVar:

NM_001164665.2(KIAA1549):c.2948A>G (p.Asn983Ser)

Gene: KIAA1549 (KIAA1549; minus strand). Cytogenetic location: 7q34.
Variant type: single nucleotide variant.
Coding change: c.2948A>G on transcript NM_001164665.2 (MANE Select); coding-DNA position 2948, A replaced by G.
Protein change: p.Asn983Ser; replaces asparagine 983 with serine.
Molecular consequence: missense variant.
Genome position (GRCh38, 1-based): chr7:138,912,391, T>C on the plus strand (A>G on the coding strand, the complement: KIAA1549 is on the minus strand). VCF-style: chr7-138912391-T-C. GRCh37 (hg19) VCF-style: chr7-138597137-T-C.
Other names: c.2948A>G, p.Asn983Ser (NM_020910.3); short protein forms N983S.
Identifiers: ClinVar variation 1360876 (VCV001360876.4), dbSNP rs748690147, ClinGen allele CA4506362.

ClinVar aggregate classification (germline): Uncertain significance (1 of 4 stars; one submission).

Allele frequency attached by ClinVar (database versions not stated): ExAC 0.00001; gnomAD exomes 0.00001 and 0.00003.
gnomAD v4.1: 12 of 1,613,772 alleles (0.00074%); highest among the groups gnomAD compares: Admixed American, 0.013%; no homozygotes.

Submission:

Labcorp Genetics (formerly Invitae), Labcorp
Classification: Uncertain significance. Last evaluated: 2025-04-17. Review status: criteria provided, single submitter. Criteria: Invitae Variant Classification Sherloc (09022015). Collection method: clinical testing. Allele origin: germline.
Comment: This sequence change replaces asparagine, which is neutral and polar, with serine, which is neutral and polar, at codon 983 of the KIAA1549 protein (p.Asn983Ser). This variant is present in population databases (rs748690147, gnomAD 0.03%). This variant has not been reported in the literature in individuals affected with KIAA1549-related conditions. ClinVar contains an entry for this variant (Variation ID: 1360876). An algorithm developed to predict the effect of missense changes on protein structure and function outputs the following: PolyPhen-2: "Benign". The serine amino acid residue is found in multiple mammalian species, which suggests that this missense change does not adversely affect protein function. In summary, the available evidence is currently insufficient to determine the role of this variant in disease. Therefore, it has been classified as a Variant of Uncertain Significance.